The following is an entry in ClinVar:

NM_015294.6(TRIM37):c.1949-14C>A

Gene: TRIM37 (tripartite motif containing 37; minus strand). Cytogenetic location: 17q22.
Variant type: single nucleotide variant.
Coding change: c.1949-14C>A on transcript NM_015294.6 (MANE Select); 14 bases into the intron before coding-DNA position 1949, C replaced by A.
Molecular consequence: intron variant.
Genome position (GRCh38, 1-based): chr17:59,028,737, G>T on the plus strand (C>A on the coding strand, the complement: TRIM37 is on the minus strand). VCF-style: chr17-59028737-G-T. GRCh37 (hg19) VCF-style: chr17-57106098-G-T.
Other names: c.1949-14C>A (NM_001320989.3, NM_001005207.5, NM_001320988.3 and 2 more transcripts); c.1487-14C>A (NM_001353085.2); c.1847-14C>A (NM_001320987.3, NM_001353082.2); c.1898-14C>A (NM_001353086.2); c.1214-14C>A (NM_001353083.2); c.1583-14C>A (NM_001320990.3).
Identifiers: ClinVar variation 1594566 (VCV001594566.9), dbSNP rs763867733, ClinGen allele CA8678160.
Genomic context (GRCh38, chr17:59,028,737, plus strand): 5'-CATTGCCTGTTGCTTCCTTTGGTCTTTATCTTTTCGAGAATATGATGCTTCAGAGAAATT[G>T]ACAAGTCATGTTAACATAAACGTTAATATTAATGAAATCATTTGTACCATGAATATATGC-3'

ClinVar aggregate classification (germline): Likely benign. Review status: criteria provided, multiple submitters, no conflicts (2 of 4 stars). 2 submissions from 2 submitters: Likely benign (2). Last evaluated 2026-01-28.

Conditions:
TRIM37-related disorder. Also called: TRIM37-related condition.

gnomAD v4.1: 69 of 1,613,524 alleles (0.0043%); highest among the groups gnomAD compares: Admixed American, 0.11%; no homozygotes.

Submissions (2):

Labcorp Genetics (formerly Invitae), Labcorp
Classification: Likely benign. Last evaluated: 2026-01-28. Review status: criteria provided, single submitter. Criteria: Invitae Variant Classification Sherloc (09022015). Collection method: clinical testing. Allele origin: germline.

PreventionGenetics, part of Exact Sciences
Classification: Likely benign for TRIM37-related condition. Last evaluated: 2026-01-02. Review status: criteria provided, single submitter. Criteria: ACMG Guidelines, 2015. Collection method: clinical testing. Allele origin: germline.
Comment: This variant is classified as likely benign based on ACMG/AMP sequence variant interpretation guidelines (Richards et al. 2015 PMID: 25741868, with internal and published modifications).